The following is an entry in ClinVar:

NM_004370.6(COL12A1):c.7478A>G (p.Glu2493Gly)

Gene: COL12A1 (collagen type XII alpha 1 chain; minus strand). Cytogenetic location: 6q13.
Variant type: single nucleotide variant.
Coding change: c.7478A>G on transcript NM_004370.6 (MANE Select); coding-DNA position 7478, A replaced by G.
Protein change: p.Glu2493Gly; replaces glutamic acid 2493 with glycine.
Molecular consequence: missense variant.
Genome position (GRCh38, 1-based): chr6:75,117,423, T>C on the plus strand (A>G on the coding strand, the complement: COL12A1 is on the minus strand). VCF-style: chr6-75117423-T-C. GRCh37 (hg19) VCF-style: chr6-75827139-T-C.
Other names: c.7478A>G, p.Glu2493Gly (NM_001424113.1); c.7457A>G, p.Glu2486Gly (NM_001424114.1); c.7205A>G, p.Glu2402Gly (NM_001424115.1); c.3986A>G, p.Glu1329Gly (NM_001424116.1, NM_080645.3); short protein forms E1329G, E2402G, E2486G, E2493G.
Identifiers: ClinVar variation 4789972 (VCV004789972.1).

ClinVar aggregate classification (germline): Uncertain significance (1 of 4 stars; one submission).

Conditions:
Ullrich congenital muscular dystrophy 2 (UCMD2). Identifiers: Orphanet 75840, MedGen C4225314, MONDO:0014654, OMIM 616470.
Bethlem myopathy 2 (BTHLM2). Identifiers: Orphanet 536516, Orphanet 610, MedGen C4225313, MONDO:0034022, OMIM 616471.

Submission:

Labcorp Genetics (formerly Invitae), Labcorp
Classification: Uncertain significance for Bethlem myopathy 2; Ullrich congenital muscular dystrophy 2. Last evaluated: 2025-07-09. Review status: criteria provided, single submitter. Criteria: Invitae Variant Classification Sherloc (09022015). Collection method: clinical testing. Allele origin: germline.
Comment: This sequence change replaces glutamic acid, which is acidic and polar, with glycine, which is neutral and non-polar, at codon 2493 of the COL12A1 protein (p.Glu2493Gly). This variant is not present in population databases (gnomAD no frequency). This variant has not been reported in the literature in individuals affected with COL12A1-related conditions. Invitae Evidence Modeling of protein sequence and biophysical properties (such as structural, functional, and spatial information, amino acid conservation, physicochemical variation, residue mobility, and thermodynamic stability) indicates that this missense variant is not expected to disrupt COL12A1 protein function with a negative predictive value of 80%. In summary, the available evidence is currently insufficient to determine the role of this variant in disease. Therefore, it has been classified as a Variant of Uncertain Significance.